The following is an entry in ClinVar:

ClinVar aggregate classification (germline): Uncertain significance (1 of 4 stars; one submission).

Conditions:
Multiple mitochondrial dysfunctions syndrome 1 (MMDS1). Identifiers: Orphanet 401869, MedGen C3276432, MONDO:0011582, OMIM 605711.

Allele frequency attached by ClinVar (database versions not stated): gnomAD exomes below 0.00001 and 0.00001; gnomAD 0.00002 and 0.00003; TOPMed 0.00013.
gnomAD v4.1: 11 of 1,612,492 alleles (0.00068%); highest among the groups gnomAD compares: Admixed American, 0.017%; 1 homozygote.

Submission:

Labcorp Genetics (formerly Invitae), Labcorp
Classification: Uncertain significance for Multiple mitochondrial dysfunctions syndrome 1. Last evaluated: 2021-11-10. Review status: criteria provided, single submitter. Criteria: Invitae Variant Classification Sherloc (09022015). Collection method: clinical testing. Allele origin: germline.
Comment: In summary, the available evidence is currently insufficient to determine the role of this variant in disease. Therefore, it has been classified as a Variant of Uncertain Significance. Variants that disrupt the consensus splice site are a relatively common cause of aberrant splicing (PMID: 17576681, 9536098). Algorithms developed to predict the effect of sequence changes on RNA splicing suggest that this variant is not likely to affect RNA splicing. This variant has not been reported in the literature in individuals affected with NFU1-related conditions. This variant is present in population databases (no rsID available, gnomAD 0.003%). This sequence change falls in intron 7 of the NFU1 gene. It does not directly change the encoded amino acid sequence of the NFU1 protein. It affects a nucleotide within the consensus splice site.

Literature cited by the submitters: PubMed 17576681; PubMed 9536098.

NM_001002755.4(NFU1):c.720+4T>A

Gene: NFU1 (NFU1 iron-sulfur cluster scaffold; minus strand). Cytogenetic location: 2p13.3.
Variant type: single nucleotide variant.
Coding change: c.720+4T>A on transcript NM_001002755.4 (MANE Select); 4 bases into the intron after coding-DNA position 720, T replaced by A.
Molecular consequence: intron variant.
Genome position (GRCh38, 1-based): chr2:69,400,360, A>T on the plus strand (T>A on the coding strand, the complement: NFU1 is on the minus strand). VCF-style: chr2-69400360-A-T. GRCh37 (hg19) VCF-style: chr2-69627492-A-T.
Other names: c.648+4T>A (NM_015700.4, NM_001374284.1); c.297+4T>A (NM_001002756.2).
Identifiers: ClinVar variation 1410977 (VCV001410977.6), dbSNP rs1006415808, ClinGen allele CA49506439.